The following is an entry in ClinVar:

NM_000046.5(ARSB):c.207_213dup (p.Leu72fs)

Genes: ARSB (arylsulfatase B; minus strand), LOC129994126 (ATAC-STARR-seq lymphoblastoid silent region 16127; plus strand). Cytogenetic location: 5q14.1.
Variant type: Duplication.
Coding change: c.207_213dup on transcript NM_000046.5 (MANE Select); coding-DNA positions 207 to 213, 7 bases duplicated (GCCGCAC; older notation c.207_213dupGCCGCAC).
Protein change: p.Leu72fs; shifts the reading frame from leucine 72.
Molecular consequence: frameshift variant.
Genome position (GRCh38, 1-based): chr5:78,985,036-78,985,042, GTGCGGC duplicated on the plus strand (GCCGCAC on the coding strand, the reverse complement: ARSB is on the minus strand); duplicating any 7 consecutive bases within chr5:78,985,036-78,985,048 gives the same sequence; the c. name uses the placement nearest the transcript's 3' end. VCF-style (leftmost placement, unchanged base first): chr5-78985035-G-GGTGCGGC. GRCh37 (hg19) VCF-style: chr5-78280858-G-GGTGCGGC.
Other names: c.207_213dup, p.Leu72fs (NM_198709.3); short protein forms L72fs.
Identifiers: ClinVar variation 559737 (VCV000559737.2), dbSNP rs1554032160, ClinGen allele CA658822944.

ClinVar aggregate classification (germline): Likely pathogenic. Review status: criteria provided, multiple submitters, no conflicts (2 of 4 stars). 2 submissions from 2 submitters: Likely pathogenic (2). Last evaluated 2023-12-07.

Conditions:
Mucopolysaccharidosis type 6 (MPS6). Also called: N-ACETYLGALACTOSAMINE-4-SULFATASE DEFICIENCY; MPS VI; MPS 6; Maroteaux Lamy syndrome; ARSB DEFICIENCY; ARYLSULFATASE B DEFICIENCY. Identifiers: Orphanet 583, MedGen C0026709, MONDO:0009661, OMIM 253200.

Submissions (2):

Baylor Genetics
Classification: Likely pathogenic for Mucopolysaccharidosis type 6. Last evaluated: 2023-12-07. Review status: criteria provided, single submitter. Criteria: ACMG Guidelines, 2015. Collection method: clinical testing. Allele origin: unknown.

Laboratory of Diagnosis and Therapy of Lysosomal Disorders, University of Padova
Classification: Likely pathogenic for Mucopolysaccharidosis type 6. Last evaluated: 2018-01-01. Review status: criteria provided, single submitter. Criteria: ACMG Guidelines, 2015. Collection method: curation. Allele origin: germline. Affected: yes.
Comment: Frameshift variant (PVS1); Absent from GnomAD (PM2)

Incorrectly reported by Sandberg (2008) Mol Genet Metab 93 S34 as c.213insGCCGCAC

Literature cited by the submitters: PubMed 30118150 (cited by Laboratory of Diagnosis and Therapy of Lysosomal Disorders, University of Padova).